The following is an entry in ClinVar:

NM_001792.5(CDH2):c.1190A>G (p.Asp397Gly)

Gene: CDH2 (cadherin 2; minus strand). Cytogenetic location: 18q12.1.
Variant type: single nucleotide variant.
Coding change: c.1190A>G on transcript NM_001792.5 (MANE Select); coding-DNA position 1190, A replaced by G.
Protein change: p.Asp397Gly; replaces aspartic acid 397 with glycine.
Molecular consequence: missense variant.
Genome position (GRCh38, 1-based): chr18:27,992,809, T>C on the plus strand (A>G on the coding strand, the complement: CDH2 is on the minus strand). VCF-style: chr18-27992809-T-C. GRCh37 (hg19) VCF-style: chr18-25572773-T-C.
Other names: c.1097A>G, p.Asp366Gly (NM_001308176.2); short protein forms D366G, D397G.
Identifiers: ClinVar variation 3694237 (VCV003694237.3).
Genomic context (GRCh38, chr18:27,992,809, plus strand): 5'-TTCCAGGCTGGTGTATGGGGTTGATCCTTATCGGTCACAGTTAGATTAGCTACTATGATG[T>C]CTACCCTGTTCTCAGGAACTTCACCATAAAACTGCGAGAAAGACAAACCTCAGTCAGAGG-3'
Protein context (NP_001783.2, residues 387-407): FYGEVPENRV[Asp397Gly]IIVANLTVTD

ClinVar aggregate classification (germline): Conflicting classifications of pathogenicity. Review status: criteria provided, conflicting classifications (1 of 4 stars). 2 submissions from 2 submitters: Uncertain significance (1); Likely benign (1). Last evaluated 2026-08-01.

gnomAD v4.1: 4 of 1,613,560 alleles (0.00025%); highest among the groups gnomAD compares: African/African-American, 0.0053%; no homozygotes.

Submissions (2):

CeGaT Center for Human Genetics Tuebingen
Classification: Likely benign. Last evaluated: 2026-08-01. Review status: criteria provided, single submitter. Criteria: CeGaT Center For Human Genetics Tuebingen Variant Classification Criteria Version 2. Collection method: clinical testing. Allele origin: germline. Affected: yes. Observed: 1 variant allele.
Comment: CDH2: BP4

Labcorp Genetics (formerly Invitae), Labcorp
Classification: Uncertain significance. Last evaluated: 2024-12-15. Review status: criteria provided, single submitter. Criteria: Invitae Variant Classification Sherloc (09022015). Collection method: clinical testing. Allele origin: germline.
Comment: This sequence change replaces aspartic acid, which is acidic and polar, with glycine, which is neutral and non-polar, at codon 397 of the CDH2 protein (p.Asp397Gly). This variant is present in population databases (rs200655366, gnomAD 0.01%). This variant has not been reported in the literature in individuals affected with CDH2-related conditions. An algorithm developed to predict the effect of missense changes on protein structure and function (PolyPhen-2) suggests that this variant is likely to be tolerated. In summary, the available evidence is currently insufficient to determine the role of this variant in disease. Therefore, it has been classified as a Variant of Uncertain Significance.